The following is an entry in ClinVar:

NM_000081.4(LYST):c.331A>G (p.Asn111Asp)

Gene: LYST (lysosomal trafficking regulator; minus strand). Cytogenetic location: 1q42.3.
Variant type: single nucleotide variant.
Coding change: c.331A>G on transcript NM_000081.4 (MANE Select); coding-DNA position 331, A replaced by G.
Protein change: p.Asn111Asp; replaces asparagine 111 with aspartic acid.
Molecular consequence: missense variant.
Genome position (GRCh38, 1-based): chr1:235,810,487, T>C on the plus strand (A>G on the coding strand, the complement: LYST is on the minus strand). VCF-style: chr1-235810487-T-C. GRCh37 (hg19) VCF-style: chr1-235973787-T-C.
Other names: c.331A>G (NM_000081.2); c.331A>G, p.Asn111Asp (NM_001301365.1); short protein forms N111D.
Identifiers: ClinVar variation 3691826 (VCV003691826.3).

ClinVar aggregate classification (germline): Uncertain significance. Review status: criteria provided, multiple submitters, no conflicts (2 of 4 stars). 2 submissions from 2 submitters: Uncertain significance (2). Last evaluated 2026-05-20.

Conditions:
Inborn genetic diseases. Identifiers: MedGen C0950123, MeSH D030342.
Chédiak-Higashi syndrome (CHS). Also called: Chediak-Higashi Syndrome. Identifiers: Orphanet 167, MedGen C0007965, MONDO:0008963, OMIM 214500.

Submissions (2):

Ambry Genetics
Classification: Uncertain significance for Inborn genetic diseases. Last evaluated: 2026-05-20. Review status: criteria provided, single submitter. Criteria: Ambry Variant Classification Scheme 2023. Collection method: clinical testing. Allele origin: germline.

Labcorp Genetics (formerly Invitae), Labcorp
Classification: Uncertain significance for Chédiak-Higashi syndrome. Last evaluated: 2024-04-16. Review status: criteria provided, single submitter. Criteria: Invitae Variant Classification Sherloc (09022015). Collection method: clinical testing. Allele origin: germline.
Comment: This sequence change replaces asparagine, which is neutral and polar, with aspartic acid, which is acidic and polar, at codon 111 of the LYST protein (p.Asn111Asp). This variant is not present in population databases (gnomAD no frequency). This variant has not been reported in the literature in individuals affected with LYST-related conditions. Advanced modeling of protein sequence and biophysical properties (such as structural, functional, and spatial information, amino acid conservation, physicochemical variation, residue mobility, and thermodynamic stability) performed at Invitae indicates that this missense variant is not expected to disrupt LYST protein function with a negative predictive value of 80%. In summary, the available evidence is currently insufficient to determine the role of this variant in disease. Therefore, it has been classified as a Variant of Uncertain Significance.